The following is an entry in ClinVar:

ClinVar aggregate classification (germline): Uncertain significance (1 of 4 stars; one submission).

Conditions:
PLXNA2-related disorder. Also called: PLXNA2-related condition.

gnomAD v4.1: 10 of 1,614,198 alleles (0.00062%); highest among the groups gnomAD compares: Middle Eastern, 0.033%; no homozygotes.

Submission:

PreventionGenetics, part of Exact Sciences
Classification: Uncertain significance for PLXNA2-related condition. Last evaluated: 2025-10-03. Review status: criteria provided, single submitter. Criteria: ACMG Guidelines, 2015. Collection method: clinical testing. Allele origin: germline.
Comment: The PLXNA2 c.2805C>T variant is not predicted to result in an amino acid change (p.=). This variant is predicted to alter splicing based on available splicing prediction programs (SpliceAI, Jaganathan et al. 2019. PubMed ID: 30661751). However, such computer prediction programs are imperfect. To our knowledge, this variant has not been reported in the literature. This variant is reported in 0.0033% of alleles in individuals of South Asian descent in gnomAD. At this time, the clinical significance of this variant is uncertain due to the absence of conclusive functional and genetic evidence.

NM_025179.4(PLXNA2):c.2805C>T (p.Gly935=)

Gene: PLXNA2 (plexin A2; minus strand). Cytogenetic location: 1q32.2.
Variant type: single nucleotide variant.
Coding change: c.2805C>T on transcript NM_025179.4 (MANE Select); coding-DNA position 2805, C replaced by T.
Protein change: p.Gly935=; no amino-acid change (glycine 935 retained).
Molecular consequence: synonymous variant.
Genome position (GRCh38, 1-based): chr1:208,054,472, G>A on the plus strand (C>T on the coding strand, the complement: PLXNA2 is on the minus strand). VCF-style: chr1-208054472-G-A. GRCh37 (hg19) VCF-style: chr1-208227817-G-A.
Identifiers: ClinVar variation 3357674 (VCV003357674.2).